The following is an entry in ClinVar:

NM_053025.4(MYLK):c.4945G>C (p.Val1649Leu)

Gene: MYLK (myosin light chain kinase; minus strand). Cytogenetic location: 3q21.1.
Variant type: single nucleotide variant.
Coding change: c.4945G>C on transcript NM_053025.4 (MANE Select); coding-DNA position 4945, G replaced by C.
Protein change: p.Val1649Leu; replaces valine 1649 with leucine.
Molecular consequence: missense variant.
Genome position (GRCh38, 1-based): chr3:123,638,087, C>G on the plus strand (G>C on the coding strand, the complement: MYLK is on the minus strand). VCF-style: chr3-123638087-C-G. GRCh37 (hg19) VCF-style: chr3-123356934-C-G.
Other names: c.4417G>C, p.Val1473Leu (NM_001321309.2); c.4738G>C, p.Val1580Leu (NM_053026.4, NM_053028.4); c.4945G>C, p.Val1649Leu (NM_053027.4); short protein forms V1473L, V1580L, V1649L.
Identifiers: ClinVar variation 3228923 (VCV003228923.3), dbSNP rs1399510023, ClinGen allele CA354225593.

ClinVar aggregate classification (germline): Uncertain significance. Review status: criteria provided, multiple submitters, no conflicts (2 of 4 stars). 2 submissions from 2 submitters: Uncertain significance (2). Last evaluated 2024-11-29.

Conditions:
Aortic aneurysm, familial thoracic 7 (AAT7). Also called: AORTIC DISSECTION, FAMILIAL, WITH OR WITHOUT AORTIC ANEURYSM. Identifiers: MedGen C3151077, MONDO:0013418, OMIM 613780.
Familial thoracic aortic aneurysm and aortic dissection (TAAD). Also called: Thoracic aortic aneurysms and dissections. Identifiers: Orphanet 91387, MedGen C4707243, MONDO:0019625.

Allele frequency attached by ClinVar (database versions not stated): TOPMed below 0.00001; gnomAD 0.00001.
gnomAD v4.1: 1 of 1,614,018 alleles (0.000062%); highest among the groups gnomAD compares: Admixed American, 0.0017%; no homozygotes.

Submissions (2):

Labcorp Genetics (formerly Invitae), Labcorp
Classification: Uncertain significance for Aortic aneurysm, familial thoracic 7. Last evaluated: 2024-11-29. Review status: criteria provided, single submitter. Criteria: Invitae Variant Classification Sherloc (09022015). Collection method: clinical testing. Allele origin: germline.
Comment: This sequence change replaces valine, which is neutral and non-polar, with leucine, which is neutral and non-polar, at codon 1649 of the MYLK protein (p.Val1649Leu). This variant is present in population databases (no rsID available, gnomAD no frequency). This variant has not been reported in the literature in individuals affected with MYLK-related conditions. ClinVar contains an entry for this variant (Variation ID: 3228923). Invitae Evidence Modeling of protein sequence and biophysical properties (such as structural, functional, and spatial information, amino acid conservation, physicochemical variation, residue mobility, and thermodynamic stability) indicates that this missense variant is not expected to disrupt MYLK protein function with a negative predictive value of 80%. In summary, the available evidence is currently insufficient to determine the role of this variant in disease. Therefore, it has been classified as a Variant of Uncertain Significance.

Ambry Genetics
Classification: Uncertain significance for Familial thoracic aortic aneurysm and aortic dissection. Last evaluated: 2024-03-04. Review status: criteria provided, single submitter. Criteria: Ambry Variant Classification Scheme 2023. Collection method: clinical testing. Allele origin: germline.
Comment: The p.V1649L variant (also known as c.4945G>C), located in coding exon 26 of the MYLK gene, results from a G to C substitution at nucleotide position 4945. The valine at codon 1649 is replaced by leucine, an amino acid with highly similar properties. This amino acid position is conserved. In addition, this alteration is predicted to be deleterious by in silico analysis. Based on the available evidence, the clinical significance of this alteration remains unclear.